The following is an entry in ClinVar:

NM_000452.3(SLC10A2):c.869C>G (p.Pro290Arg)

Gene: SLC10A2 (solute carrier family 10 member 2; minus strand). Cytogenetic location: 13q33.1.
Variant type: single nucleotide variant.
Coding change: c.869C>G on transcript NM_000452.3 (MANE Select); coding-DNA position 869, C replaced by G.
Protein change: p.Pro290Arg; replaces proline 290 with arginine.
Molecular consequence: missense variant.
Genome position (GRCh38, 1-based): chr13:103,049,339, G>C on the plus strand (C>G on the coding strand, the complement: SLC10A2 is on the minus strand). VCF-style: chr13-103049339-G-C. GRCh37 (hg19) VCF-style: chr13-103701689-G-C.
Other names: short protein forms P290R.
Identifiers: ClinVar variation 2868651 (VCV002868651.3), dbSNP rs139024168, ClinGen allele CA7042014.

ClinVar aggregate classification (germline): Uncertain significance (1 of 4 stars; one submission).

gnomAD v4.1: 16 of 1,613,834 alleles (0.00099%); highest among the groups gnomAD compares: Admixed American, 0.0033%; no homozygotes.

Submission:

Labcorp Genetics (formerly Invitae), Labcorp
Classification: Uncertain significance. Last evaluated: 2025-10-25. Review status: criteria provided, single submitter. Criteria: Invitae Variant Classification Sherloc (09022015). Collection method: clinical testing. Allele origin: germline.
Comment: This sequence change replaces proline, which is neutral and non-polar, with arginine, which is basic and polar, at codon 290 of the SLC10A2 protein (p.Pro290Arg). This variant is present in population databases (rs139024168, gnomAD 0.009%). This variant has not been reported in the literature in individuals affected with SLC10A2-related conditions. ClinVar contains an entry for this variant (Variation ID: 2868651). Invitae Evidence Modeling of protein sequence and biophysical properties (such as structural, functional, and spatial information, amino acid conservation, physicochemical variation, residue mobility, and thermodynamic stability) indicates that this missense variant is expected to disrupt SLC10A2 protein function with a positive predictive value of 80%. In summary, the available evidence is currently insufficient to determine the role of this variant in disease. Therefore, it has been classified as a Variant of Uncertain Significance.